The following is an entry in ClinVar:

ClinVar aggregate classification (germline): Uncertain significance (1 of 4 stars; one submission).

gnomAD v4.1: 80 of 1,603,420 alleles (0.005%); highest among the groups gnomAD compares: Non-Finnish European, 0.0066%; no homozygotes.

Submission:

CeGaT Center for Human Genetics Tuebingen
Classification: Uncertain significance. Last evaluated: 2026-04-01. Review status: criteria provided, single submitter. Criteria: CeGaT Center For Human Genetics Tuebingen Variant Classification Criteria Version 2. Collection method: clinical testing. Allele origin: germline. Affected: yes. Observed: 1 variant allele.
Comment: ZNF687: PM2:Supporting, BP4

NM_020832.3(ZNF687):c.2111G>A (p.Ser704Asn)

Gene: ZNF687 (zinc finger protein 687; plus strand). Cytogenetic location: 1q21.3.
Variant type: single nucleotide variant.
Coding change: c.2111G>A on transcript NM_020832.3 (MANE Select); coding-DNA position 2111, G replaced by A.
Protein change: p.Ser704Asn; replaces serine 704 with asparagine.
Molecular consequence: missense variant.
Genome position (GRCh38, 1-based): chr1:151,288,402, G>A. VCF-style: chr1-151288402-G-A. GRCh37 (hg19) VCF-style: chr1-151260878-G-A.
Other names: c.2111G>A, p.Ser704Asn (NM_001304763.2, NM_001304764.2); short protein forms S704N.
Identifiers: ClinVar variation 4873478 (VCV004873478.2).